The following is an entry in ClinVar:

NM_001376.5(DYNC1H1):c.7308G>A (p.Ala2436=)

Gene: DYNC1H1 (dynein cytoplasmic 1 heavy chain 1; plus strand). Cytogenetic location: 14q32.31.
Variant type: single nucleotide variant.
Coding change: c.7308G>A on transcript NM_001376.5 (MANE Select); coding-DNA position 7308, G replaced by A.
Protein change: p.Ala2436=; no amino-acid change (alanine 2436 retained).
Molecular consequence: synonymous variant.
Genome position (GRCh38, 1-based): chr14:102,015,921, G>A. VCF-style: chr14-102015921-G-A. GRCh37 (hg19) VCF-style: chr14-102482258-G-A.
Identifiers: ClinVar variation 312638 (VCV000312638.43), dbSNP rs754446530, ClinGen allele CA7352794.

ClinVar aggregate classification (germline): Conflicting classifications of pathogenicity. Review status: criteria provided, conflicting classifications (1 of 4 stars). 7 submissions from 6 submitters: Uncertain significance (1); Benign (2); Likely benign (4). Last evaluated 2025-08-06.

Conditions:
Autosomal dominant cerebellar ataxia. Also called: Spinocerebellar Ataxia, Dominant. Identifiers: Orphanet 99, MedGen C4087347, MONDO:0020380.
Inborn genetic diseases. Identifiers: MedGen C0950123, MeSH D030342.
Charcot-Marie-Tooth disease. Also called: Charcot-Marie-Tooth Neuropathy; Charcot-Marie-Tooth Hereditary Neuropathy. Identifiers: Orphanet 166, MedGen C0007959, MONDO:0015626.
Charcot-Marie-Tooth disease axonal type 2O. Also called: Charcot-Marie-Tooth Neuropathy Type 2O; Charcot-Marie-Tooth disease, axonal, type 20; CHARCOT-MARIE-TOOTH NEUROPATHY, AXONAL, TYPE 2O; CHARCOT-MARIE-TOOTH DISEASE, AXONAL, AUTOSOMAL DOMINANT, TYPE 2O. Identifiers: Orphanet 284232, MedGen C3280220, MONDO:0013644, OMIM 614228.

Allele frequency attached by ClinVar (database versions not stated): gnomAD exomes 0.00011; gnomAD 0.00003; TOPMed 0.00004; ExAC 0.00009.
gnomAD v4.1: 81 of 1,614,094 alleles (0.005%); highest among the groups gnomAD compares: Non-Finnish European, 0.0024%; no homozygotes.

Submissions (7):

Labcorp Genetics (formerly Invitae), Labcorp
Classification: Benign for Charcot-Marie-Tooth disease axonal type 2O. Last evaluated: 2025-08-06. Review status: criteria provided, single submitter. Criteria: Invitae Variant Classification Sherloc (09022015). Collection method: clinical testing. Allele origin: germline.

CeGaT Center for Human Genetics Tuebingen
Classification: Likely benign. Last evaluated: 2022-07-01. Review status: criteria provided, single submitter. Criteria: CeGaT Center For Human Genetics Tuebingen Variant Classification Criteria Version 2. Collection method: clinical testing. Allele origin: germline. Affected: yes. Observed: 1 variant allele.
Comment: DYNC1H1: BP4, BP7

Ambry Genetics
Classification: Benign for Inborn genetic diseases. Last evaluated: 2019-03-02. Review status: criteria provided, single submitter. Criteria: Ambry Variant Classification Scheme 2023. Collection method: clinical testing. Allele origin: germline.

Illumina Laboratory Services, Illumina
Classification: Likely benign for Spinocerebellar Ataxia, Dominant. Last evaluated: 2018-01-12. Review status: criteria provided, single submitter. Criteria: ICSL Variant Classification Criteria 13 December 2019. Collection method: clinical testing. Allele origin: germline.
Comment: This variant was observed in the ICSL laboratory as part of a predisposition screen in an ostensibly healthy population. It had not been previously curated by ICSL or reported in the Human Gene Mutation Database (HGMD: prior to June 1st, 2018), and was therefore a candidate for classification through an automated scoring system. Utilizing variant allele frequency, disease prevalence and penetrance estimates, and inheritance mode, an automated score was calculated to assess if this variant is too frequent to cause the disease. Based on the score and internal cut-off values, a variant classified as likely benign is not then subjected to further curation. The score for this variant resulted in a classification of likely benign for this disease.

Illumina Laboratory Services, Illumina
Classification: Uncertain significance for Charcot-Marie-Tooth disease axonal type 2O. Last evaluated: 2018-01-12. Review status: criteria provided, single submitter. Criteria: ICSL Variant Classification Criteria 13 December 2019. Collection method: clinical testing. Allele origin: germline.

GeneDx
Classification: Likely benign. Last evaluated: 2017-06-16. Review status: criteria provided, single submitter. Criteria: GeneDx Variant Classification (06012015). Collection method: clinical testing. Allele origin: germline. Affected: yes.
Comment: This variant is considered likely benign or benign based on one or more of the following criteria: it is a conservative change, it occurs at a poorly conserved position in the protein, it is predicted to be benign by multiple in silico algorithms, and/or has population frequency not consistent with disease.

Molecular Genetics Laboratory, London Health Sciences Centre
Classification: Likely benign for Charcot-Marie-Tooth disease. Review status: criteria provided, single submitter. Criteria: ACMG Guidelines, 2015. Collection method: clinical testing. Allele origin: germline. Affected: yes.